The following is an entry in ClinVar:

ClinVar aggregate classification (germline): Benign/Likely benign. Review status: criteria provided, multiple submitters, no conflicts (2 of 4 stars). 8 submissions from 8 submitters: Benign (3); Likely benign (2). 3 of the submissions do not count toward it. Last evaluated 2026-01-27.

Conditions:
Arrhythmogenic right ventricular dysplasia 5. Also called: Arrhythmogenic Right Ventricular Dysplasia/Cardiomyopathy 5; ARRHYTHMOGENIC RIGHT VENTRICULAR DYSPLASIA, FAMILIAL, 5. Identifiers: MedGen C1858379, MONDO:0011459, OMIM 604400.

Allele frequency attached by ClinVar (database versions not stated): gnomAD exomes 0.00011 and 0.00023; ExAC 0.00029; ESP Exome Variant Server 0.00092; gnomAD 0.00092 and 0.00100; 1000 Genomes Project 30x 0.00094; TOPMed 0.00104; 1000 Genomes Project 0.00120.
gnomAD v4.1: 306 of 1,596,142 alleles (0.019%); highest among the groups gnomAD compares: African/African-American, 0.3%; 1 homozygote.

Submissions (8):

Labcorp Genetics (formerly Invitae), Labcorp
Classification: Benign for Arrhythmogenic right ventricular dysplasia 5. Last evaluated: 2026-01-27. Review status: criteria provided, single submitter. Criteria: Invitae Variant Classification Sherloc (09022015). Collection method: clinical testing. Allele origin: germline.

Blueprint Genetics
Classification: Likely benign. Last evaluated: 2024-09-15. Review status: criteria provided, single submitter. Criteria: ACMG Guidelines, 2015. Collection method: clinical testing. Allele origin: germline.

Women's Health and Genetics/Laboratory Corporation of America, LabCorp
Classification: Benign. Last evaluated: 2022-03-19. Review status: criteria provided, single submitter. Criteria: LabCorp Variant Classification Summary - May 2015. Collection method: clinical testing. Allele origin: germline.

ARUP Laboratories, Molecular Genetics and Genomics, ARUP Laboratories
Classification: Likely benign. Last evaluated: 2020-08-23. Review status: criteria provided, single submitter. Criteria: ARUP Molecular Germline Variant Investigation Process. Collection method: clinical testing. Allele origin: germline.

GeneDx
Classification: Benign. Last evaluated: 2014-03-13. Review status: criteria provided, single submitter. Criteria: GeneDx Variant Classification (06012015). Collection method: clinical testing. Allele origin: germline. Affected: yes.
Comment: This variant is considered likely benign or benign based on one or more of the following criteria: it is a conservative change, it occurs at a poorly conserved position in the protein, it is predicted to be benign by multiple in silico algorithms, and/or has population frequency not consistent with disease.

Clinical Genetics DNA and cytogenetics Diagnostics Lab, Erasmus MC, Erasmus Medical Center
Classification: Likely benign. Review status: no assertion criteria provided. Collection method: clinical testing. Allele origin: germline. Affected: yes. Study: VKGL Data-share Consensus. Not counted in ClinVar's aggregate classification.

Clinical Genetics, Academic Medical Center
Classification: Benign. Review status: no assertion criteria provided. Collection method: clinical testing. Allele origin: germline. Affected: yes. Study: VKGL Data-share Consensus. Not counted in ClinVar's aggregate classification.

Genome Diagnostics Laboratory, University Medical Center Utrecht
Classification: Likely benign. Review status: no assertion criteria provided. Collection method: clinical testing. Allele origin: germline. Affected: yes. Study: VKGL Data-share Consensus. Not counted in ClinVar's aggregate classification.

NM_024334.3(TMEM43):c.392+16G>A

Gene: TMEM43 (transmembrane protein 43; plus strand). Cytogenetic location: 3p25.1.
Variant type: single nucleotide variant.
Coding change: c.392+16G>A on transcript NM_024334.3 (MANE Select); 16 bases into the intron after coding-DNA position 392, G replaced by A.
Molecular consequence: intron variant.
Genome position (GRCh38, 1-based): chr3:14,131,690, G>A. VCF-style: chr3-14131690-G-A. GRCh37 (hg19) VCF-style: chr3-14173190-G-A.
Identifiers: ClinVar variation 137675 (VCV000137675.22), dbSNP rs150859949, ClinGen allele CA024669.